The following is an entry in ClinVar:

NM_004960.4(FUS):c.688G>T (p.Gly230Cys)

Gene: FUS (FUS RNA binding protein; plus strand). Cytogenetic location: 16p11.2.
Variant type: single nucleotide variant.
Coding change: c.688G>T on transcript NM_004960.4 (MANE Select); coding-DNA position 688, G replaced by T.
Protein change: p.Gly230Cys; replaces glycine 230 with cysteine.
Molecular consequence: missense variant. On other transcripts: non-coding transcript variant (1).
Genome position (GRCh38, 1-based): chr16:31,185,103, G>T. VCF-style: chr16-31185103-G-T. GRCh37 (hg19) VCF-style: chr16-31196424-G-T.
Other names: c.685G>T, p.Gly229Cys (NM_001170634.1); c.676G>T, p.Gly226Cys (NM_001170937.1); short protein forms G226C, G229C, G230C.
Identifiers: ClinVar variation 647759 (VCV000647759.9), dbSNP rs748374535, ClinGen allele CA8023766.

ClinVar aggregate classification (germline): Uncertain significance (1 of 4 stars; one submission).

Conditions:
Amyotrophic lateral sclerosis type 6. Also called: FUS-Related Amyotrophic Laterial Sclerosis; AMYOTROPHIC LATERAL SCLEROSIS 6 WITHOUT FRONTOTEMPORAL DEMENTIA; Amyotrophic lateral sclerosis 6, with or without frontotemporal dementia. Identifiers: Orphanet 275872, Orphanet 803, MedGen C2931786, MONDO:0011951, OMIM 608030.
Tremor, hereditary essential, 4 (ETM4). Identifiers: MedGen C3539195, MONDO:0013888, OMIM 614782.

Allele frequency attached by ClinVar (database versions not stated): gnomAD exomes 0.00001; ExAC 0.00002.
gnomAD v4.1: 6 of 1,608,004 alleles (0.00037%); highest among the groups gnomAD compares: Admixed American, 0.0051%; no homozygotes.

Submission:

Labcorp Genetics (formerly Invitae), Labcorp
Classification: Uncertain significance for Tremor, hereditary essential, 4; Amyotrophic lateral sclerosis type 6. Last evaluated: 2022-07-06. Review status: criteria provided, single submitter. Criteria: Invitae Variant Classification Sherloc (09022015). Collection method: clinical testing. Allele origin: germline.
Comment: ClinVar contains an entry for this variant (Variation ID: 647759). In summary, the available evidence is currently insufficient to determine the role of this variant in disease. Therefore, it has been classified as a Variant of Uncertain Significance. Experimental studies have shown that this missense change affects FUS function (PMID: 28273913). Algorithms developed to predict the effect of missense changes on protein structure and function are either unavailable or do not agree on the potential impact of this missense change (SIFT: "Deleterious"; PolyPhen-2: "Not Available"; Align-GVGD: "Class C0"). This missense change has been observed in individual(s) with amyotrophic lateral sclerosis (PMID: 19861302). This variant is present in population databases (rs748374535, gnomAD 0.006%). This sequence change replaces glycine, which is neutral and non-polar, with cysteine, which is neutral and slightly polar, at codon 230 of the FUS protein (p.Gly230Cys).

Literature cited by the submitters: PubMed 28273913; PubMed 19861302.